The following is an entry in ClinVar:

NM_001447.3(FAT2):c.4703T>C (p.Ile1568Thr)

Genes: FAT2 (FAT atypical cadherin 2; minus strand), SLC36A1 (solute carrier family 36 member 1; plus strand). Cytogenetic location: 5q33.1.
Variant type: single nucleotide variant.
Coding change: c.4703T>C on transcript NM_001447.3 (MANE Select); coding-DNA position 4703, T replaced by C.
Protein change: p.Ile1568Thr; replaces isoleucine 1568 with threonine.
Molecular consequence: missense variant.
Genome position (GRCh38, 1-based): chr5:151,549,381, A>G on the plus strand (T>C on the coding strand, the complement: FAT2 is on the minus strand). VCF-style: chr5-151549381-A-G. GRCh37 (hg19) VCF-style: chr5-150928942-A-G.
Other names: c.4703T>C (NM_001447.2); short protein forms I1568T.
Identifiers: ClinVar variation 2177590 (VCV002177590.5), dbSNP rs753135006, ClinGen allele CA129964887.

ClinVar aggregate classification (germline): Conflicting classifications of pathogenicity. Review status: criteria provided, conflicting classifications (1 of 4 stars). 2 submissions from 2 submitters: Uncertain significance (1); Likely benign (1). Last evaluated 2025-08-22.

gnomAD v4.1: 9 of 1,614,058 alleles (0.00056%); highest among the groups gnomAD compares: Middle Eastern, 0.017%; no homozygotes.

Submissions (2):

Ambry Genetics
Classification: Likely benign. Last evaluated: 2025-08-22. Review status: criteria provided, single submitter. Criteria: Ambry Variant Classification Scheme 2023. Collection method: clinical testing. Allele origin: germline.

Labcorp Genetics (formerly Invitae), Labcorp
Classification: Uncertain significance. Last evaluated: 2023-07-19. Review status: criteria provided, single submitter. Criteria: Invitae Variant Classification Sherloc (09022015). Collection method: clinical testing. Allele origin: germline.
Comment: In summary, the available evidence is currently insufficient to determine the role of this variant in disease. Therefore, it has been classified as a Variant of Uncertain Significance. Advanced modeling of protein sequence and biophysical properties (such as structural, functional, and spatial information, amino acid conservation, physicochemical variation, residue mobility, and thermodynamic stability) performed at Invitae indicates that this missense variant is not expected to disrupt FAT2 protein function. ClinVar contains an entry for this variant (Variation ID: 2177590). This variant has not been reported in the literature in individuals affected with FAT2-related conditions. This variant is present in population databases (no rsID available, gnomAD 0.02%). This sequence change replaces isoleucine, which is neutral and non-polar, with threonine, which is neutral and polar, at codon 1568 of the FAT2 protein (p.Ile1568Thr).